The following is an entry in ClinVar:

ClinVar aggregate classification (germline): Uncertain significance (1 of 4 stars; one submission).

Conditions:
Jeune thoracic dystrophy. Also called: Short-rib thoracic dysplasia; Jeune syndrome; Infantile thoracic dystrophy; Thoracic pelvic phalangeal dystrophy; Jeune's syndrome; Chondroectodermal dysplasia-like syndrome. Identifiers: Orphanet 474, MedGen C0265275, MONDO:0018770.

Submission:

Labcorp Genetics (formerly Invitae), Labcorp
Classification: Uncertain significance for Jeune thoracic dystrophy. Last evaluated: 2021-02-22. Review status: criteria provided, single submitter. Criteria: Invitae Variant Classification Sherloc (09022015). Collection method: clinical testing. Allele origin: germline.
Comment: This variant has not been reported in the literature in individuals with IFT80-related conditions. This variant is not present in population databases (ExAC no frequency). This sequence change replaces isoleucine with asparagine at codon 479 of the IFT80 protein (p.Ile479Asn). The isoleucine residue is highly conserved and there is a large physicochemical difference between isoleucine and asparagine. Algorithms developed to predict the effect of missense changes on protein structure and function (SIFT, PolyPhen-2, Align-GVGD) all suggest that this variant is likely to be disruptive, but these predictions have not been confirmed by published functional studies and their clinical significance is uncertain. In summary, the available evidence is currently insufficient to determine the role of this variant in disease. Therefore, it has been classified as a Variant of Uncertain Significance.

NM_020800.3(IFT80):c.1436T>A (p.Ile479Asn)

Genes: TRIM59-IFT80 (TRIM59-IFT80 readthrough (NMD candidate); minus strand), IFT80 (intraflagellar transport 80; minus strand). Cytogenetic location: 3q25.33.
Variant type: single nucleotide variant.
Coding change: c.1436T>A on transcript NM_020800.3 (MANE Select); coding-DNA position 1436, T replaced by A.
Protein change: p.Ile479Asn; replaces isoleucine 479 with asparagine.
Molecular consequence: missense variant. On other transcripts: non-coding transcript variant (3).
Genome position (GRCh38, 1-based): chr3:160,282,558, A>T on the plus strand (T>A on the coding strand, the complement: IFT80 is on the minus strand). VCF-style: chr3-160282558-A-T. GRCh37 (hg19) VCF-style: chr3-160000346-A-T.
Other names: c.1025T>A, p.Ile342Asn (NM_001190241.2, NM_001190242.2); short protein forms I479N, I342N.
Identifiers: ClinVar variation 1416026 (VCV001416026.8), dbSNP rs1714767611, ClinGen allele CA355192339.
Genomic context (GRCh38, chr3:160,282,558, plus strand): 5'-TCCTTCCCAAATCGTTTCACAGAAGTGATACAGAGATCTCTATTTTTATCAATGAAAGCA[A>T]TTTTTCTATCATTGGTAAGTCCTTTTTGATCCAGAGCAATTTCCAAGATTTCATTCTAAA-3'
Protein context (NP_065851.1, residues 469-489): DQKGLTNDRK[Ile479Asn]AFIDKNRDLC